The following is an entry in ClinVar:

NM_001852.4(COL9A2):c.1585G>A (p.Ala529Thr)

Gene: COL9A2 (collagen type IX alpha 2 chain; minus strand). Cytogenetic location: 1p34.2.
Variant type: single nucleotide variant.
Coding change: c.1585G>A on transcript NM_001852.4 (MANE Select); coding-DNA position 1585, G replaced by A.
Protein change: p.Ala529Thr; replaces alanine 529 with threonine.
Molecular consequence: missense variant.
Genome position (GRCh38, 1-based): chr1:40,303,149, C>T on the plus strand (G>A on the coding strand, the complement: COL9A2 is on the minus strand). VCF-style: chr1-40303149-C-T. GRCh37 (hg19) VCF-style: chr1-40768821-C-T.
Other names: short protein forms A529T.
Identifiers: ClinVar variation 1304128 (VCV001304128.3), dbSNP rs2124043341, ClinGen allele CA339877382.
Genomic context (GRCh38, chr1:40,303,149, plus strand): 5'-ATGCCCTCGAACTGACTGTGAGGAGGGGTTGCTGCCCCTCACCTTGCAGCATCTTCAGCG[C>T]CACATCCACGATGTGCTGGTCAGTGGCATCCCGGCCCTGAAAGCAGAGGCCTTTCAGGAA-3'
Protein context (NP_001843.1, residues 519-539): DATDQHIVDV[Ala529Thr]LKMLQEQLAE

ClinVar aggregate classification (germline): Uncertain significance (1 of 4 stars; one submission).

Submission:

GeneDx
Classification: Uncertain significance. Last evaluated: 2022-11-11. Review status: criteria provided, single submitter. Criteria: GeneDx Variant Classification Process June 2021. Collection method: clinical testing. Allele origin: germline. Affected: yes.
Comment: Has not been previously published as pathogenic or benign to our knowledge; Not observed at significant frequency in large population cohorts (gnomAD); In silico analysis supports that this missense variant does not alter protein structure/function